The following is an entry in ClinVar:

ClinVar aggregate classification (germline): Likely benign (1 of 4 stars; one submission).

Allele frequency attached by ClinVar (database versions not stated): ExAC 0.00002; gnomAD 0.00007; gnomAD exomes 0.00007; TOPMed 0.00007; ESP Exome Variant Server 0.00008; 1000 Genomes Project 30x 0.00031.
gnomAD v4.1: 115 of 1,613,488 alleles (0.0071%); highest among the groups gnomAD compares: Admixed American, 0.01%; no homozygotes.

Submission:

CeGaT Center for Human Genetics Tuebingen
Classification: Likely benign. Last evaluated: 2022-05-01. Review status: criteria provided, single submitter. Criteria: CeGaT Center For Human Genetics Tuebingen Variant Classification Criteria Version 2. Collection method: clinical testing. Allele origin: germline. Affected: yes. Observed: 1 variant allele.
Comment: ROS1: BP4

NM_001378902.1(ROS1):c.6369T>C (p.Ala2123=)

Gene: ROS1 (ROS proto-oncogene 1, receptor tyrosine kinase; minus strand). Cytogenetic location: 6q22.1.
Variant type: single nucleotide variant.
Coding change: c.6369T>C on transcript NM_001378902.1 (MANE Select); coding-DNA position 6369, T replaced by C.
Protein change: p.Ala2123=; no amino-acid change (alanine 2123 retained).
Molecular consequence: synonymous variant.
Genome position (GRCh38, 1-based): chr6:117,310,128, A>G on the plus strand (T>C on the coding strand, the complement: ROS1 is on the minus strand). VCF-style: chr6-117310128-A-G. GRCh37 (hg19) VCF-style: chr6-117631291-A-G.
Other names: c.6375T>C, p.Ala2125= (NM_001378891.1); c.6387T>C, p.Ala2129= (NM_002944.3).
Identifiers: ClinVar variation 2656869 (VCV002656869.24), dbSNP rs145358991, ClinGen allele CA3974059.